The following is an entry in ClinVar:

NM_006206.6(PDGFRA):c.3165C>A (p.Ser1055Arg)

Gene: PDGFRA (platelet derived growth factor receptor alpha; plus strand). Cytogenetic location: 4q12.
Variant type: single nucleotide variant.
Coding change: c.3165C>A on transcript NM_006206.6 (MANE Select); coding-DNA position 3165, C replaced by A.
Protein change: p.Ser1055Arg; replaces serine 1055 with arginine.
Molecular consequence: missense variant.
Genome position (GRCh38, 1-based): chr4:54,295,167, C>A. VCF-style: chr4-54295167-C-A. GRCh37 (hg19) VCF-style: chr4-55161334-C-A.
Other names: c.3240C>A, p.Ser1080Arg (NM_001347828.2); c.3165C>A, p.Ser1055Arg (NM_001347829.2); c.3204C>A, p.Ser1068Arg (NM_001347830.2); short protein forms S1055R, S1068R, S1080R.
Identifiers: ClinVar variation 1905323 (VCV001905323.6), dbSNP rs2110358611, ClinGen allele CA356896532.
Genomic context (GRCh38, chr4:54,295,167, plus strand): 5'-CTTCTCTCCCTCCTCCAGCTCGCAGACCTCTGAAGAGAGTGCCATTGAGACGGGTTCCAG[C>A]AGTTCCACCTTCATCAAGAGAGAGGACGAGACCATTGAAGACATCGACATGATGGATGAC-3'
Protein context (NP_006197.1, residues 1045-1065): SEESAIETGS[Ser1055Arg]SSTFIKREDE

ClinVar aggregate classification (germline): Uncertain significance. Review status: criteria provided, multiple submitters, no conflicts (2 of 4 stars). 2 submissions from 2 submitters: Uncertain significance (2). Last evaluated 2025-03-09.

Conditions:
Hereditary cancer-predisposing syndrome. Also called: Neoplastic Syndromes, Hereditary; Hereditary neoplastic syndrome; Hereditary Cancer Syndrome; Tumor predisposition. Identifiers: Orphanet 140162, MedGen C0027672, MeSH D009386, MONDO:0015356.
Gastrointestinal stromal tumor. Also called: Gastrointestinal stromal tumor, somatic; Gastrointestinal stroma tumor. Identifiers: Orphanet 44890, MedGen C0238198, MeSH D046152, MONDO:0011719, OMIM 606764, HP:0100723.

Submissions (2):

Ambry Genetics
Classification: Uncertain significance for Hereditary cancer-predisposing syndrome. Last evaluated: 2025-03-09. Review status: criteria provided, single submitter. Criteria: Ambry Variant Classification Scheme 2023. Collection method: clinical testing. Allele origin: germline.
Comment: The p.S1055R variant (also known as c.3165C>A), located in coding exon 22 of the PDGFRA gene, results from a C to A substitution at nucleotide position 3165. The serine at codon 1055 is replaced by arginine, an amino acid with dissimilar properties. This amino acid position is conserved. In addition, the in silico prediction for this alteration is inconclusive. Based on the available evidence, the clinical significance of this variant remains unclear.

Labcorp Genetics (formerly Invitae), Labcorp
Classification: Uncertain significance for Gastrointestinal stromal tumor. Last evaluated: 2022-09-02. Review status: criteria provided, single submitter. Criteria: Invitae Variant Classification Sherloc (09022015). Collection method: clinical testing. Allele origin: germline.
Comment: This variant is not present in population databases (gnomAD no frequency). This variant has not been reported in the literature in individuals affected with PDGFRA-related conditions. Algorithms developed to predict the effect of missense changes on protein structure and function are either unavailable or do not agree on the potential impact of this missense change (SIFT: "Tolerated"; PolyPhen-2: "Probably Damaging"; Align-GVGD: "Class C0"). In summary, the available evidence is currently insufficient to determine the role of this variant in disease. Therefore, it has been classified as a Variant of Uncertain Significance. This sequence change replaces serine, which is neutral and polar, with arginine, which is basic and polar, at codon 1055 of the PDGFRA protein (p.Ser1055Arg).